The following is an entry in ClinVar:

ClinVar aggregate classification (germline): Uncertain significance (1 of 4 stars; one submission).

Conditions:
Hereditary cancer-predisposing syndrome. Also called: Neoplastic Syndromes, Hereditary; Tumor predisposition; Hereditary neoplastic syndrome; Hereditary Cancer Syndrome. Identifiers: Orphanet 140162, MedGen C0027672, MeSH D009386, MONDO:0015356.

gnomAD v4.1: 4 of 1,607,406 alleles (0.00025%); highest among the groups gnomAD compares: East Asian, 0.0045%; no homozygotes.

Submission:

Ambry Genetics
Classification: Uncertain significance for Hereditary cancer-predisposing syndrome. Last evaluated: 2026-09-02. Review status: criteria provided, single submitter. Criteria: Ambry Variant Classification Scheme 2023. Collection method: clinical testing. Allele origin: germline.
Comment: The p.M29T variant (also known as c.86T>C), located in coding exon 1 of the NF2 gene, results from a T to C substitution at nucleotide position 86. The methionine at codon 29 is replaced by threonine, an amino acid with similar properties. This amino acid position is highly conserved in available vertebrate species. In addition, this alteration is predicted to be deleterious by in silico analysis. Based on the available evidence, the clinical significance of this variant remains unclear.

NM_000268.4(NF2):c.86T>C (p.Met29Thr)

Gene: NF2 (NF2, moesin-ezrin-radixin like (MERLIN) tumor suppressor; plus strand). Cytogenetic location: 22q12.2.
Variant type: single nucleotide variant.
Coding change: c.86T>C on transcript NM_000268.4 (MANE Select); coding-DNA position 86, T replaced by C.
Protein change: p.Met29Thr; replaces methionine 29 with threonine.
Molecular consequence: missense variant. On other transcripts: 5 prime UTR variant (4), non-coding transcript variant (1).
Genome position (GRCh38, 1-based): chr22:29,604,084, T>C. VCF-style: chr22-29604084-T-C. GRCh37 (hg19) VCF-style: chr22-30000073-T-C.
Other names: c.-555T>C (NM_001407065.1); c.86T>C, p.Met29Thr (NM_001407066.1, NM_016418.5, NM_181825.3 and 15 more transcripts); c.-171T>C (NM_001407067.1); c.-145T>C (NM_001407053.1, NM_001407056.1); short protein forms M29T.
Identifiers: ClinVar variation 5025721 (VCV005025721.1).
Genomic context (GRCh38, chr22:29,604,084, plus strand): 5'-TGAGCTTCAGCTCTCTCAAGAGGAAGCAACCCAAGACGTTCACCGTGAGGATCGTCACCA[T>C]GGACGCCGAGATGGAGTTCAATTGCGAGGTAACCGGCCGGCAGCCCCGACTGCTGCGGTG-3'
Protein context (NP_000259.1, residues 19-39): PKTFTVRIVT[Met29Thr]DAEMEFNCEM